The following is an entry in ClinVar:

NM_003850.3(SUCLA2):c.971G>A (p.Gly324Asp)

Gene: SUCLA2 (succinate-CoA ligase ADP-forming subunit beta; minus strand). Cytogenetic location: 13q14.2.
Variant type: single nucleotide variant.
Coding change: c.971G>A on transcript NM_003850.3 (MANE Select); coding-DNA position 971, G replaced by A.
Protein change: p.Gly324Asp; replaces glycine 324 with aspartic acid.
Molecular consequence: missense variant.
Genome position (GRCh38, 1-based): chr13:47,954,276, C>T on the plus strand (G>A on the coding strand, the complement: SUCLA2 is on the minus strand). VCF-style: chr13-47954276-C-T. GRCh37 (hg19) VCF-style: chr13-48528411-C-T.
Other names: short protein forms G324D.
Identifiers: ClinVar variation 3768189 (VCV003768189.1).

ClinVar aggregate classification (germline): Uncertain significance (1 of 4 stars; one submission).

gnomAD v4.1: 2 of 1,613,872 alleles (0.00012%); highest among the groups gnomAD compares: East Asian, 0.0045%; no homozygotes.

Submission:

Women's Health and Genetics/Laboratory Corporation of America, LabCorp
Classification: Uncertain significance. Last evaluated: 2024-12-27. Review status: criteria provided, single submitter. Criteria: LabCorp Variant Classification Summary - May 2015. Collection method: clinical testing. Allele origin: germline.
Comment: Variant summary: SUCLA2 c.971G>A (p.Gly324Asp) results in a non-conservative amino acid change located in the CoA-ligase domain (IPR005811) of the encoded protein sequence. Four of four in-silico tools predict a damaging effect of the variant on protein function. The variant allele was found at a frequency of 8e-06 in 251062 control chromosomes. The available data on variant occurrences in the general population are insufficient to allow any conclusion about variant significance. c.971G>A has been reported in the literature in individuals affected with Leigh syndrome and Methylmalonic Aciduria (e.g. Zhao_2024, Kang_2020). These report(s) do not provide unequivocal conclusions about association of the variant with Mitochondrial DNA Depletion Syndrome, Encephalomyopathic Form With Methylmalonic Aciduria. To our knowledge, no experimental evidence demonstrating an impact on protein function has been reported. The following publications have been ascertained in the context of this evaluation (PMID: 31622506, 39118480). No submitters have cited clinical-significance assessments for this variant to ClinVar. Based on the evidence outlined above, the variant was classified as uncertain significance.

Literature cited by the submitters: PubMed 31622506; PubMed 39118480.